The following is an entry in ClinVar:

NM_000059.4(BRCA2):c.5117A>G (p.Asn1706Ser)

Gene: BRCA2 (BRCA2 DNA repair associated; plus strand). Cytogenetic location: 13q13.1.
Variant type: single nucleotide variant.
Coding change: c.5117A>G on transcript NM_000059.4 (MANE Select); coding-DNA position 5117, A replaced by G.
Protein change: p.Asn1706Ser; replaces asparagine 1706 with serine.
Molecular consequence: missense variant.
Genome position (GRCh38, 1-based): chr13:32,339,472, A>G. VCF-style: chr13-32339472-A-G. GRCh37 (hg19) VCF-style: chr13-32913609-A-G.
Other names: short protein forms N1706S.
Identifiers: ClinVar variation 1506539 (VCV001506539.11), dbSNP rs730881536, ClinGen allele CA247509061.

ClinVar aggregate classification (germline): Conflicting classifications of pathogenicity. Review status: criteria provided, conflicting classifications (1 of 4 stars). 3 submissions from 3 submitters: Uncertain significance (2); Likely benign (1). Last evaluated 2025-12-24.

Conditions:
Hereditary cancer-predisposing syndrome. Also called: Hereditary neoplastic syndrome; Tumor predisposition; Neoplastic Syndromes, Hereditary; Hereditary Cancer Syndrome. Identifiers: Orphanet 140162, MedGen C0027672, MeSH D009386, MONDO:0015356.
Hereditary breast ovarian cancer syndrome. Also called: Hereditary breast and ovarian cancer; Breast and ovarian cancer; BRCA1- and BRCA2-Associated Hereditary Breast and Ovarian Cancer; Hereditary breast and/or ovarian cancer syndrome; Hereditary breast and ovarian cancer syndrome; Hereditary breast and ovarian cancer syndrome (HBOC). Identifiers: Orphanet 145, MedGen C0677776, MeSH D061325, MONDO:0003582. Disease mechanism: loss of function.

Submissions (3):

Labcorp Genetics (formerly Invitae), Labcorp
Classification: Uncertain significance for Hereditary breast ovarian cancer syndrome. Last evaluated: 2025-12-24. Review status: criteria provided, single submitter. Criteria: Invitae Variant Classification Sherloc (09022015). Collection method: clinical testing. Allele origin: germline.
Comment: This sequence change replaces asparagine, which is neutral and polar, with serine, which is neutral and polar, at codon 1706 of the BRCA2 protein (p.Asn1706Ser). This variant is not present in population databases (gnomAD no frequency). This variant has not been reported in the literature in individuals affected with BRCA2-related conditions. ClinVar contains an entry for this variant (Variation ID: 1506539). Invitae Evidence Modeling of protein sequence and biophysical properties (such as structural, functional, and spatial information, amino acid conservation, physicochemical variation, residue mobility, and thermodynamic stability) indicates that this missense variant is not expected to disrupt BRCA2 protein function with a negative predictive value of 95%. In summary, the available evidence is currently insufficient to determine the role of this variant in disease. Therefore, it has been classified as a Variant of Uncertain Significance.

University of Washington Department of Laboratory Medicine, University of Washington
Classification: Likely benign for Hereditary cancer-predisposing syndrome. Last evaluated: 2023-03-23. Review status: criteria provided, single submitter. Criteria: Dines et al. (Genet Med. 2020). Collection method: curation. Allele origin: germline.
Comment: Missense variant in a coldspot region where missense variants are very unlikely to be pathogenic (PMID:31911673).

BRCA2 exon 11 coldspot. Reclassification based on statistical prior probability.

Ambry Genetics
Classification: Uncertain significance for Hereditary cancer-predisposing syndrome. Last evaluated: 2020-11-28. Review status: criteria provided, single submitter. Criteria: Ambry Variant Classification Scheme 2023. Collection method: clinical testing. Allele origin: germline.
Comment: The p.N1706S variant (also known as c.5117A>G), located in coding exon 10 of the BRCA2 gene, results from an A to G substitution at nucleotide position 5117. The asparagine at codon 1706 is replaced by serine, an amino acid with highly similar properties. This amino acid position is not well conserved in available vertebrate species. In addition, this alteration is predicted to be tolerated by in silico analysis. Since supporting evidence is limited at this time, the clinical significance of this alteration remains unclear.

Literature cited by the submitters: PubMed 28357044 (cited by Ambry Genetics).